The following is an entry in ClinVar:

ClinVar aggregate classification (germline): Benign (1 of 4 stars; one submission).

Allele frequency attached by ClinVar (database versions not stated): TOPMed 0.04274; 1000 Genomes Project 0.04393; 1000 Genomes Project 30x 0.04700.
gnomAD v4.1: 5,695 of 152,294 alleles (3.7%); highest among the groups gnomAD compares: African/African-American, 13%; 345 homozygotes.

Submission:

GeneDx
Classification: Benign. Last evaluated: 2018-06-16. Review status: criteria provided, single submitter. Criteria: GeneDx Variant Classification (06012015). Collection method: clinical testing. Allele origin: germline. Affected: yes.
Comment: This variant is considered likely benign or benign based on one or more of the following criteria: it is a conservative change, it occurs at a poorly conserved position in the protein, it is predicted to be benign by multiple in silico algorithms, and/or has population frequency not consistent with disease.

NM_002291.3(LAMB1):c.3762-283C>T

Gene: LAMB1 (laminin subunit beta 1; minus strand). Cytogenetic location: 7q31.1.
Variant type: single nucleotide variant.
Coding change: c.3762-283C>T on transcript NM_002291.3 (MANE Select); 283 bases into the intron before coding-DNA position 3762, C replaced by T.
Molecular consequence: intron variant.
Genome position (GRCh38, 1-based): chr7:107,937,560, G>A on the plus strand (C>T on the coding strand, the complement: LAMB1 is on the minus strand). VCF-style: chr7-107937560-G-A. GRCh37 (hg19) VCF-style: chr7-107578005-G-A.
Identifiers: ClinVar variation 681321 (VCV000681321.1), dbSNP rs75399689, ClinGen allele CA164230111.
Genomic context (GRCh38, chr7:107,937,560, plus strand): 5'-CACTCAGCTGAGTTGTGGCAGACAAGCCATTTAAGGGATTCCAAATTTCTGCTGTAAGAT[G>A]AGCACAGGTCAGAGTGTGGAGTTCTGGCTCTATTCACAGGCAGCTTCAAGCCCTTACAAT-3'